The following is an entry in ClinVar:

NM_002354.3(EPCAM):c.419G>C (p.Arg140Thr)

Gene: EPCAM (epithelial cell adhesion molecule; plus strand). Cytogenetic location: 2p21.
Variant type: single nucleotide variant.
Coding change: c.419G>C on transcript NM_002354.3 (MANE Select); coding-DNA position 419, G replaced by C.
Protein change: p.Arg140Thr; replaces arginine 140 with threonine.
Molecular consequence: missense variant.
Genome position (GRCh38, 1-based): chr2:47,374,042, G>C. VCF-style: chr2-47374042-G-C. GRCh37 (hg19) VCF-style: chr2-47601181-G-C.
Other names: short protein forms R140T.
Identifiers: ClinVar variation 2447102 (VCV002447102.3), dbSNP rs2103748041, ClinGen allele CA346723504.

ClinVar aggregate classification (germline): Uncertain significance (1 of 4 stars; one submission).

Conditions:
Hereditary cancer-predisposing syndrome. Also called: Neoplastic Syndromes, Hereditary; Hereditary Cancer Syndrome; Tumor predisposition; Hereditary neoplastic syndrome. Identifiers: Orphanet 140162, MedGen C0027672, MeSH D009386, MONDO:0015356.

Submission:

Ambry Genetics
Classification: Uncertain significance for Hereditary cancer-predisposing syndrome. Last evaluated: 2025-04-09. Review status: criteria provided, single submitter. Criteria: Ambry Variant Classification Scheme 2023. Collection method: clinical testing. Allele origin: germline.
Comment: The p.R140T variant (also known as c.419G>C), located in coding exon 3 of the EPCAM gene, results from a G to C substitution at nucleotide position 419. The arginine at codon 140 is replaced by threonine, an amino acid with similar properties. This amino acid position is conserved. In addition, the in silico prediction for this alteration is inconclusive. Since supporting evidence is limited at this time, the clinical significance of this alteration remains unclear.